The following is an entry in ClinVar:

ClinVar aggregate classification (germline): Uncertain significance (1 of 4 stars; one submission).

Submission:

Labcorp Genetics (formerly Invitae), Labcorp
Classification: Uncertain significance. Last evaluated: 2022-06-27. Review status: criteria provided, single submitter. Criteria: Invitae Variant Classification Sherloc (09022015). Collection method: clinical testing. Allele origin: germline.
Comment: This variant is not present in population databases (gnomAD no frequency). This sequence change replaces threonine, which is neutral and polar, with proline, which is neutral and non-polar, at codon 238 of the ADAMTSL4 protein (p.Thr238Pro). This variant has not been reported in the literature in individuals affected with ADAMTSL4-related conditions. In summary, the available evidence is currently insufficient to determine the role of this variant in disease. Therefore, it has been classified as a Variant of Uncertain Significance. Algorithms developed to predict the effect of missense changes on protein structure and function are either unavailable or do not agree on the potential impact of this missense change (SIFT: "Deleterious"; PolyPhen-2: "Benign"; Align-GVGD: "Class C0").

NM_019032.6(ADAMTSL4):c.712A>C (p.Thr238Pro)

Genes: ADAMTSL4 (ADAMTS like 4; plus strand), ADAMTSL4-AS2 (ADAMTSL4 antisense RNA 2; minus strand). Cytogenetic location: 1q21.2.
Variant type: single nucleotide variant.
Coding change: c.712A>C on transcript NM_019032.6 (MANE Select); coding-DNA position 712, A replaced by C.
Protein change: p.Thr238Pro; replaces threonine 238 with proline.
Molecular consequence: missense variant.
Genome position (GRCh38, 1-based): chr1:150,553,703, A>C. VCF-style: chr1-150553703-A-C. GRCh37 (hg19) VCF-style: chr1-150526179-A-C.
Other names: c.712A>C, p.Thr238Pro (NM_001288607.2, NM_001288608.2, NM_001378596.1 and 1 more transcripts); short protein forms T238P.
Identifiers: ClinVar variation 2011557 (VCV002011557.4), dbSNP rs2526609054, ClinGen allele CA342301898.